The following is an entry in ClinVar:

ClinVar aggregate classification (germline): Benign/Likely benign. Review status: criteria provided, multiple submitters, no conflicts (2 of 4 stars). 4 submissions from 4 submitters: Benign (2); Likely benign (1). 1 of the submissions does not count toward it. Last evaluated 2026-02-01.

Conditions:
DYM-related disorder. Also called: DYM-related condition.

Allele frequency attached by ClinVar (database versions not stated): 1000 Genomes Project 0.00260; 1000 Genomes Project 30x 0.00265; gnomAD 0.00296; TOPMed 0.00313; ESP Exome Variant Server 0.00331.
gnomAD v4.1: 1,025 of 1,609,298 alleles (0.064%); highest among the groups gnomAD compares: African/African-American, 1%; 5 homozygotes.

Submissions (4):

Labcorp Genetics (formerly Invitae), Labcorp
Classification: Benign. Last evaluated: 2026-02-01. Review status: criteria provided, single submitter. Criteria: Invitae Variant Classification Sherloc (09022015). Collection method: clinical testing. Allele origin: germline.

Blueprint Genetics
Classification: Likely benign. Last evaluated: 2024-11-12. Review status: criteria provided, single submitter. Criteria: ACMG Guidelines, 2015. Collection method: clinical testing. Allele origin: germline.

Eurofins Ntd Llc (ga)
Classification: Benign. Last evaluated: 2015-06-01. Review status: criteria provided, single submitter. Criteria: EGL Classification Definitions 2015. Collection method: clinical testing. Allele origin: germline. Observed: 1 variant allele, 1 heterozygote.

PreventionGenetics, part of Exact Sciences
Classification: Benign for DYM-related condition. Last evaluated: 2019-09-11. Review status: no assertion criteria provided. Collection method: clinical testing. Allele origin: germline. Not counted in ClinVar's aggregate classification.
Comment: This variant is classified as benign based on ACMG/AMP sequence variant interpretation guidelines (Richards et al. 2015 PMID: 25741868, with internal and published modifications).

NM_001353214.3(DYM):c.500T>A (p.Ile167Asn)

Gene: DYM (dymeclin; minus strand). Cytogenetic location: 18q21.1.
Variant type: single nucleotide variant.
Coding change: c.500T>A on transcript NM_001353214.3 (MANE Select); coding-DNA position 500, T replaced by A.
Protein change: p.Ile167Asn; replaces isoleucine 167 with asparagine.
Molecular consequence: missense variant. On other transcripts: intron variant (6).
Genome position (GRCh38, 1-based): chr18:49,333,848, A>T on the plus strand (T>A on the coding strand, the complement: DYM is on the minus strand). VCF-style: chr18-49333848-A-T. GRCh37 (hg19) VCF-style: chr18-46860218-A-T.
Other names: c.500T>A, p.Ile167Asn (NM_001353210.3, NM_001353213.3, NM_001353215.3 and 10 more transcripts); c.497T>A, p.Ile166Asn (NM_001353211.3, NM_001353212.3, NM_001374429.1 and 1 more transcripts); c.272T>A, p.Ile91Asn (NM_001374440.1); c.194-47235T>A (NM_001374443.1); c.194-47232T>A (NM_001374444.1, NM_001374442.1, NM_001374441.1); c.495-1842T>A (NM_001374436.1, NM_001374432.1); short protein forms I167N, I166N, I91N.
Identifiers: ClinVar variation 198570 (VCV000198570.17), dbSNP rs75854087, ClinGen allele CA203503.